The following is an entry in ClinVar:

NM_022124.6(CDH23):c.2549C>T (p.Ala850Val)

Gene: CDH23 (cadherin related 23; plus strand). Cytogenetic location: 10q22.1.
Variant type: single nucleotide variant.
Coding change: c.2549C>T on transcript NM_022124.6 (MANE Select); coding-DNA position 2549, C replaced by T.
Protein change: p.Ala850Val; replaces alanine 850 with valine.
Molecular consequence: missense variant.
Genome position (GRCh38, 1-based): chr10:71,702,173, C>T. VCF-style: chr10-71702173-C-T. GRCh37 (hg19) VCF-style: chr10-73461930-C-T.
Other names: c.2549C>T, p.Ala850Val (NM_001171930.2, NM_001171931.2); short protein forms A850V.
Identifiers: ClinVar variation 1404178 (VCV001404178.5), dbSNP rs1404916911, ClinGen allele CA377137763.

ClinVar aggregate classification (germline): Uncertain significance (1 of 4 stars; one submission).

Allele frequency attached by ClinVar (database versions not stated): gnomAD 0.00003; gnomAD exomes below 0.00001; TOPMed 0.00006.
gnomAD v4.1: 5 of 1,613,736 alleles (0.00031%); highest among the groups gnomAD compares: Admixed American, 0.0083%; no homozygotes.

Submission:

Labcorp Genetics (formerly Invitae), Labcorp
Classification: Uncertain significance. Last evaluated: 2021-09-24. Review status: criteria provided, single submitter. Criteria: Invitae Variant Classification Sherloc (09022015). Collection method: clinical testing. Allele origin: germline.
Comment: This sequence change replaces alanine with valine at codon 850 of the CDH23 protein (p.Ala850Val). The alanine residue is highly conserved and there is a small physicochemical difference between alanine and valine. This variant is not present in population databases (ExAC no frequency). This variant has not been reported in the literature in individuals with CDH23-related conditions. Algorithms developed to predict the effect of missense changes on protein structure and function are either unavailable or do not agree on the potential impact of this missense change (SIFT: "Deleterious"; PolyPhen-2: "Not Available"; Align-GVGD: "Class C55"). In summary, the available evidence is currently insufficient to determine the role of this variant in disease. Therefore, it has been classified as a Variant of Uncertain Significance.